The following is an entry in ClinVar:

ClinVar aggregate classification (germline): Uncertain significance (1 of 4 stars; one submission).

Conditions:
Inborn genetic diseases. Identifiers: MedGen C0950123, MeSH D030342.

Submission:

Ambry Genetics
Classification: Uncertain significance for Inborn genetic diseases. Last evaluated: 2025-04-15. Review status: criteria provided, single submitter. Criteria: Ambry Variant Classification Scheme 2023. Collection method: clinical testing. Allele origin: germline.
Comment: The c.619G>A (p.E207K) alteration is located in coding exon 5 of the RBFOX1 gene. This alteration results from a G to A substitution at nucleotide position 619, causing the glutamic acid (E) at amino acid position 207 to be replaced by a lysine (K). This variant was not reported in population-based cohorts in the Genome Aggregation Database (gnomAD). This amino acid position is highly conserved in available vertebrate species. This missense alteration is located in a region that has a low rate of benign missense variation (Lek, 2016; Firth, 2009). The in silico prediction for this alteration is inconclusive. Based on insufficient or conflicting evidence, the clinical significance of this alteration remains unclear.

NM_018723.4(RBFOX1):c.559G>A (p.Glu187Lys)

Gene: RBFOX1 (RNA binding fox-1 homolog 1; plus strand). Cytogenetic location: 16p13.3.
Variant type: single nucleotide variant.
Coding change: c.559G>A on transcript NM_018723.4 (MANE Select); coding-DNA position 559, G replaced by A.
Protein change: p.Glu187Lys; replaces glutamic acid 187 with lysine.
Molecular consequence: missense variant. On other transcripts: intron variant (6).
Genome position (GRCh38, 1-based): chr16:7,595,639, G>A. VCF-style: chr16-7595639-G-A. GRCh37 (hg19) VCF-style: chr16-7645641-G-A.
Other names: c.559G>A, p.Glu187Lys (NM_001142333.2, NM_001142334.2, NM_001364800.2); c.688G>A, p.Glu230Lys (NM_001308117.1, NM_001411047.1, NM_001415891.1 and 3 more transcripts); c.1156G>A, p.Glu386Lys (NM_001415887.1, NM_001415888.1); c.667G>A, p.Glu223Lys (NM_001415889.1, NM_001415892.1, NM_001415894.1 and 3 more transcripts); c.634G>A, p.Glu212Lys (NM_001415890.1, NM_001415893.1, NM_001415899.1 and 3 more transcripts); c.619G>A, p.Glu207Lys (NM_001415896.1, NM_001415904.1, NM_001415906.1 and 4 more transcripts); c.565G>A, p.Glu189Lys (NM_001415902.1, NM_001415911.1, NM_001415917.1); c.598-1732G>A (NM_001415908.1, NM_001415914.1); and 3 more; short protein forms E189K, E207K, E212K, E230K, E223K, E386K, E187K.
Identifiers: ClinVar variation 3943469 (VCV003943469.1).
Genomic context (GRCh38, chr16:7,595,639, plus strand): 5'-GCCGATGCGGACAGGGCGAGGGAGAAATTACACGGCACCGTGGTAGAGGGCCGTAAAATC[G>A]AGGTGCATGTTCAAAATATTTTCCTTTTCATCTTTTTTATAAATGTCTGCTTCACGCTCA-3'
Protein context (NP_061193.2, residues 177-197): HGTVVEGRKI[Glu187Lys]VNNATARVMT